The following is an entry in ClinVar:

ClinVar aggregate classification (germline): Pathogenic (1 of 4 stars; one submission).

Conditions:
Hereditary cancer-predisposing syndrome. Also called: Neoplastic Syndromes, Hereditary; Tumor predisposition; Hereditary Cancer Syndrome; Hereditary neoplastic syndrome. Identifiers: Orphanet 140162, MedGen C0027672, MeSH D009386, MONDO:0015356.

Submission:

Ambry Genetics
Classification: Pathogenic for Hereditary cancer-predisposing syndrome. Last evaluated: 2018-02-14. Review status: criteria provided, single submitter. Criteria: Ambry Variant Classification Scheme 2023. Collection method: clinical testing. Allele origin: germline.
Comment: The c.1079delT pathogenic mutation, located in coding exon 10 of the PMS2 gene, results from a deletion of one nucleotide at nucleotide position 1079, causing a translational frameshift with a predicted alternate stop codon (p.I360Kfs*11). This alteration is expected to result in loss of function by premature protein truncation or nonsense-mediated mRNA decay. As such, this alteration is interpreted as a disease-causing mutation.

NM_000535.7(PMS2):c.1079del (p.Ile360fs)

Gene: PMS2 (PMS1 homolog 2, mismatch repair system component; minus strand). Cytogenetic location: 7p22.1.
Variant type: Deletion.
Coding change: c.1079del on transcript NM_000535.7 (MANE Select); coding-DNA position 1079, one base deleted (T; older notation c.1079delT).
Protein change: p.Ile360fs; shifts the reading frame from isoleucine 360.
Molecular consequence: frameshift variant. On other transcripts: non-coding transcript variant (1), intron variant (2).
Genome position (GRCh38, 1-based): chr7:5,989,865, A deleted on the plus strand (T on the coding strand, the reverse complement: PMS2 is on the minus strand). VCF-style (leftmost placement, unchanged base first): chr7-5989864-TA-T. GRCh37 (hg19) VCF-style: chr7-6029495-TA-T.
Other names: c.674delT, p.Ile225Lysfs (NM_001018040.1, NM_001406887.1, NM_001406888.1 and 13 more transcripts); c.674del, p.Ile225fs (NM_001322003.2, NM_001322004.2, NM_001322005.2 and 1 more transcripts); c.761del, p.Ile254fs (NM_001322007.2, NM_001322008.2); c.146del, p.Ile49fs (NM_001322011.2, NM_001322012.2); c.506del, p.Ile169fs (NM_001322013.2); c.1079del, p.Ile360fs (NM_001322014.2); c.770del, p.Ile257fs (NM_001322015.2); c.1265delT, p.Ile422Lysfs (NM_001406866.1); and 14 more; short protein forms I169fs, I254fs, I360fs, I225fs, I257fs, I49fs.
Identifiers: ClinVar variation 1785753 (VCV001785753.2), dbSNP rs2535928309, ClinGen allele CA2580076998.
Genomic context (GRCh38, chr7:5,989,864, plus strand): 5'-AACATCCAGCAGTGGCTGCTGACTGACATTTAGCTTGTTGACATCACTATCAAACATTCC[TA>T]TCAAAGAGGTCTTTAAAACTGCCAACAAAAGCTTTTCCTCTTGTAGCAAAATTTGCCTTT-3'